The following is an entry in ClinVar:

NM_013291.3(CPSF1):c.3812-3_3812-2del

Genes: CPSF1 (cleavage and polyadenylation specific factor 1; minus strand), MIR939 (microRNA 939; minus strand). Cytogenetic location: 8q24.3.
Variant type: Deletion.
Coding change: c.3812-3_3812-2del on transcript NM_013291.3 (MANE Select); 3 bases into the intron before coding-DNA position 3812 through the canonical splice acceptor site of the intron before coding-DNA position 3812, 2 bases deleted (CA; older notation c.3812-3_3812-2delCA).
Molecular consequence: splice acceptor variant. On other transcripts: non-coding transcript variant (1).
Genome position (GRCh38, 1-based): chr8:144,394,162-144,394,163, TG deleted on the plus strand (CA on the coding strand, the reverse complement: CPSF1 is on the minus strand). VCF-style (leftmost placement, unchanged base first): chr8-144394161-CTG-C. GRCh37 (hg19) VCF-style: chr8-145619376-CTG-C.
Identifiers: ClinVar variation 4538798 (VCV004538798.1).
Genomic context (GRCh38, chr8:144,394,161, plus strand): 5'-GGAAGCACTCACCTTCGGGCAGGTACATGTACACCATGAGGTTGCGGTCGCGGTCAGACA[CTG>C]GGGAGCAGAGGCCCAGGGTCAGCCCCGGCCACCCCCAGAGCCTCAGCTCCCCAGGGCCCT-3'

ClinVar aggregate classification (germline): Uncertain significance (1 of 4 stars; one submission).

Submission:

GeneDx
Classification: Uncertain significance. Last evaluated: 2025-06-20. Review status: criteria provided, single submitter. Criteria: GeneDx Variant Classification Process June 2021. Collection method: clinical testing. Allele origin: germline. Affected: yes.
Comment: Not observed at significant frequency in large population cohorts (gnomAD); Canonical splice site variant with an unclear effect on protein function; Has not been previously published as pathogenic or benign to our knowledge